The following is an entry in ClinVar:

NM_213655.5(WNK1):c.2322dup (p.Val775fs)

Gene: WNK1 (WNK lysine deficient protein kinase 1; plus strand). Cytogenetic location: 12p13.33.
Variant type: Duplication.
Coding change: c.2322dup on transcript NM_213655.5 (MANE Plus Clinical); coding-DNA position 2322, one base duplicated (T; older notation c.2322dupT).
Protein change: p.Val775fs; shifts the reading frame from valine 775.
Molecular consequence: frameshift variant. On other transcripts: intron variant (3).
Genome position (GRCh38, 1-based): chr12:865,292, T duplicated. VCF-style (leftmost placement, unchanged base first): chr12-865291-G-GT. GRCh37 (hg19) VCF-style: chr12-974457-G-GT.
Other names: c.2140-2574dup (NM_001184985.2); c.2139+3022dup (NM_018979.4, NM_014823.3); short protein forms V775fs.
Identifiers: ClinVar variation 3763931 (VCV003763931.2).

ClinVar aggregate classification (germline): Uncertain significance (1 of 4 stars; one submission).

Conditions:
Neuropathy, hereditary sensory and autonomic, type 2A (HSAN2A). Also called: HSAN IIA; WNK1-Related HSAN2 (HSAN2A); ACROOSTEOLYSIS, GIACCAI TYPE; ACROOSTEOLYSIS, NEUROGENIC; MORVAN DISEASE; NEUROPATHY, CONGENITAL SENSORY. Identifiers: Orphanet 970, MedGen C2752089, MONDO:0024309, OMIM 201300.
Pseudohypoaldosteronism type 2C (PHA2C). Also called: Pseudohypoaldosteronism Type IIC. Identifiers: Orphanet 757, Orphanet 88940, MedGen C1840391, MONDO:0013778, OMIM 614492.

Submission:

Labcorp Genetics (formerly Invitae), Labcorp
Classification: Uncertain significance for Neuropathy, hereditary sensory and autonomic, type 2A; Pseudohypoaldosteronism type 2C. Last evaluated: 2024-10-17. Review status: criteria provided, single submitter. Criteria: Invitae Variant Classification Sherloc (09022015). Collection method: clinical testing. Allele origin: germline.
Comment: This sequence change creates a premature translational stop signal (p.Val775Cysfs*50) in the WNK1 gene. However, it is currently unclear if variants that occur in this region of the gene cause disease. This variant is present in population databases (no rsID available, gnomAD 0.02%). This variant has not been reported in the literature in individuals affected with WNK1-related conditions. In summary, the available evidence is currently insufficient to determine the role of this variant in disease. Therefore, it has been classified as a Variant of Uncertain Significance.